The following is an entry in ClinVar:

ClinVar aggregate classification (germline): Uncertain significance (1 of 4 stars; one submission).

Conditions:
Progressive familial heart block type IB (PFHB1B). Identifiers: Orphanet 871, MedGen C1970298, MONDO:0011474, OMIM 604559.

Allele frequency attached by ClinVar (database versions not stated): gnomAD exomes below 0.00001.
gnomAD v4.1: 2 of 1,614,142 alleles (0.00012%); highest among the groups gnomAD compares: South Asian, 0.0022%; no homozygotes.

Submission:

Labcorp Genetics (formerly Invitae), Labcorp
Classification: Uncertain significance for Progressive familial heart block type IB. Last evaluated: 2021-11-29. Review status: criteria provided, single submitter. Criteria: Invitae Variant Classification Sherloc (09022015). Collection method: clinical testing. Allele origin: germline.
Comment: In summary, the available evidence is currently insufficient to determine the role of this variant in disease. Therefore, it has been classified as a Variant of Uncertain Significance. Algorithms developed to predict the effect of missense changes on protein structure and function (SIFT, PolyPhen-2, Align-GVGD) all suggest that this variant is likely to be tolerated. This variant has not been reported in the literature in individuals affected with TRPM4-related conditions. This variant is present in population databases (no rsID available, gnomAD 0.003%). This sequence change replaces glutamic acid, which is acidic and polar, with lysine, which is basic and polar, at codon 721 of the TRPM4 protein (p.Glu721Lys).

NM_017636.4(TRPM4):c.2161G>A (p.Glu721Lys)

Gene: TRPM4 (transient receptor potential cation channel subfamily M member 4; plus strand). Cytogenetic location: 19q13.33.
Variant type: single nucleotide variant.
Coding change: c.2161G>A on transcript NM_017636.4 (MANE Select); coding-DNA position 2161, G replaced by A.
Protein change: p.Glu721Lys; replaces glutamic acid 721 with lysine.
Molecular consequence: missense variant.
Genome position (GRCh38, 1-based): chr19:49,190,724, G>A. VCF-style: chr19-49190724-G-A. GRCh37 (hg19) VCF-style: chr19-49693981-G-A.
Other names: c.2161G>A, p.Glu721Lys (NM_001195227.2); c.1816G>A, p.Glu606Lys (NM_001321281.2); c.553G>A, p.Glu185Lys (NM_001321282.2); c.1639G>A, p.Glu547Lys (NM_001321283.2); c.1099G>A, p.Glu367Lys (NM_001321285.2); short protein forms E185K, E367K, E606K, E721K, E547K.
Identifiers: ClinVar variation 1491629 (VCV001491629.6), dbSNP rs1272779639, ClinGen allele CA406806048.